The following is an entry in ClinVar:

NM_031935.3(HMCN1):c.10153C>G (p.Leu3385Val)

Gene: HMCN1 (hemicentin 1; plus strand). Cytogenetic location: 1q31.1.
Variant type: single nucleotide variant.
Coding change: c.10153C>G on transcript NM_031935.3 (MANE Select); coding-DNA position 10153, C replaced by G.
Protein change: p.Leu3385Val; replaces leucine 3385 with valine.
Molecular consequence: missense variant.
Genome position (GRCh38, 1-based): chr1:186,093,626, C>G. VCF-style: chr1-186093626-C-G. GRCh37 (hg19) VCF-style: chr1-186062758-C-G.
Other names: c.10153C>G (NM_031935.2); short protein forms L3385V.
Identifiers: ClinVar variation 2168001 (VCV002168001.5), dbSNP rs770934506, ClinGen allele CA1293650.

ClinVar aggregate classification (germline): Uncertain significance. Review status: criteria provided, multiple submitters, no conflicts (2 of 4 stars). 2 submissions from 2 submitters: Uncertain significance (2). Last evaluated 2025-11-03.

Allele frequency attached by ClinVar (database versions not stated): ExAC 0.00002; gnomAD exomes 0.00002; TOPMed 0.00002; gnomAD 0.00003.
gnomAD v4.1: 32 of 1,613,320 alleles (0.002%); highest among the groups gnomAD compares: Admixed American, 0.023%; no homozygotes.

Submissions (2):

Ambry Genetics
Classification: Uncertain significance. Last evaluated: 2025-11-03. Review status: criteria provided, single submitter. Criteria: Ambry Variant Classification Scheme 2023. Collection method: clinical testing. Allele origin: germline.

Labcorp Genetics (formerly Invitae), Labcorp
Classification: Uncertain significance. Last evaluated: 2022-12-27. Review status: criteria provided, single submitter. Criteria: Invitae Variant Classification Sherloc (09022015). Collection method: clinical testing. Allele origin: germline.
Comment: This variant has not been reported in the literature in individuals affected with HMCN1-related conditions. In summary, the available evidence is currently insufficient to determine the role of this variant in disease. Therefore, it has been classified as a Variant of Uncertain Significance. Algorithms developed to predict the effect of missense changes on protein structure and function output the following: SIFT: "Tolerated"; PolyPhen-2: "Benign"; Align-GVGD: "Class C0". The valine amino acid residue is found in multiple mammalian species, which suggests that this missense change does not adversely affect protein function. This variant is present in population databases (rs770934506, gnomAD 0.03%). This sequence change replaces leucine, which is neutral and non-polar, with valine, which is neutral and non-polar, at codon 3385 of the HMCN1 protein (p.Leu3385Val).